The following is an entry in ClinVar:

ClinVar aggregate classification (germline): Likely pathogenic (1 of 4 stars; one submission).

Submission:

GeneDx
Classification: Likely pathogenic. Last evaluated: 2017-04-27. Review status: criteria provided, single submitter. Criteria: GeneDx Variant Classification (06012015). Collection method: clinical testing. Allele origin: germline. Affected: yes.
Comment: The I299S variant in the GABRB2 gene has not been reported previously as a pathogenic variant, nor as a benign variant, to our knowledge. The I299S variant is not observed in large population cohorts (Lek et al., 2016; 1000 Genomes Consortium et al., 2015; Exome Variant Server). The I299S variant is a non-conservative amino acid substitution, which is likely to impact secondary protein structure as these residues differ in polarity, charge, size and/or other properties. This substitution occurs at a position that is conserved across species. In silico analysis predicts this variant is probably damaging to the protein structure/function. We interpret I299S as a likely pathogenic variant.

NM_001371727.1(GABRB2):c.896T>G (p.Ile299Ser)

Gene: GABRB2 (gamma-aminobutyric acid type A receptor subunit beta2; minus strand). Cytogenetic location: 5q34.
Variant type: single nucleotide variant.
Coding change: c.896T>G on transcript NM_001371727.1 (MANE Select); coding-DNA position 896, T replaced by G.
Protein change: p.Ile299Ser; replaces isoleucine 299 with serine.
Molecular consequence: missense variant.
Genome position (GRCh38, 1-based): chr5:161,331,064, A>C on the plus strand (T>G on the coding strand, the complement: GABRB2 is on the minus strand). VCF-style: chr5-161331064-A-C. GRCh37 (hg19) VCF-style: chr5-160758071-A-C.
Other names: c.896T>G, p.Ile299Ser (NM_000813.3, NM_021911.3); short protein forms I299S.
Identifiers: ClinVar variation 424303 (VCV000424303.2), dbSNP rs1064796901, ClinGen allele CA16618149.